The following is an entry in ClinVar:

NM_000096.4(CP):c.2611G>A (p.Asp871Asn)

Gene: CP (ceruloplasmin; minus strand). Cytogenetic location: 3q24.
Variant type: single nucleotide variant.
Coding change: c.2611G>A on transcript NM_000096.4 (MANE Select); coding-DNA position 2611, G replaced by A.
Protein change: p.Asp871Asn; replaces aspartic acid 871 with asparagine.
Molecular consequence: missense variant. On other transcripts: non-coding transcript variant (1).
Genome position (GRCh38, 1-based): chr3:149,179,606, C>T on the plus strand (G>A on the coding strand, the complement: CP is on the minus strand). VCF-style: chr3-149179606-C-T. GRCh37 (hg19) VCF-style: chr3-148897393-C-T.
Other names: short protein forms D871N.
Identifiers: ClinVar variation 343753 (VCV000343753.20), dbSNP rs529607771, ClinGen allele CA2660675.

ClinVar aggregate classification (germline): Conflicting classifications of pathogenicity. Review status: criteria provided, conflicting classifications (1 of 4 stars). 6 submissions from 6 submitters: Uncertain significance (2); Benign (1); Likely benign (2). 1 of the submissions does not count toward it. Last evaluated 2026-09-01.

Conditions:
Deficiency of ferroxidase (ACEP). Also called: Aceruloplasminemia; NEURODEGENERATION WITH BRAIN IRON ACCUMULATION 10; Deficiency of ceruloplasmin; Ceruloplasmin deficiency; Familial apoceruloplasmin deficiency; Hereditary ceruloplasmin deficiency. Identifiers: Orphanet 48818, MedGen C0878682, MONDO:0011426, OMIM 604290, HP:0025498.
CP-related disorder. Also called: CP-related condition.
Inborn genetic diseases. Identifiers: MedGen C0950123, MeSH D030342.

Allele frequency attached by ClinVar (database versions not stated): gnomAD 0.00001 and 0.00016; TOPMed 0.00004; gnomAD exomes 0.00043 and 0.00096; 1000 Genomes Project 30x 0.00094; ExAC 0.00107; 1000 Genomes Project 0.00120.
gnomAD v4.1: 657 of 1,613,696 alleles (0.041%); highest among the groups gnomAD compares: South Asian, 0.58%; 13 homozygotes.

Submissions (6):

CeGaT Center for Human Genetics Tuebingen
Classification: Likely benign. Last evaluated: 2026-09-01. Review status: criteria provided, single submitter. Criteria: CeGaT Center For Human Genetics Tuebingen Variant Classification Criteria Version 2. Collection method: clinical testing. Allele origin: germline. Affected: yes. Observed: 2 variant alleles.
Comment: CP: BS2

Labcorp Genetics (formerly Invitae), Labcorp
Classification: Benign for Deficiency of ferroxidase. Last evaluated: 2026-02-02. Review status: criteria provided, single submitter. Criteria: Invitae Variant Classification Sherloc (09022015). Collection method: clinical testing. Allele origin: germline.

Ambry Genetics
Classification: Uncertain significance for Inborn genetic diseases. Last evaluated: 2025-04-08. Review status: criteria provided, single submitter. Criteria: Ambry Variant Classification Scheme 2023. Collection method: clinical testing. Allele origin: germline.

Illumina Laboratory Services, Illumina
Classification: Likely benign for Deficiency of ferroxidase. Last evaluated: 2018-01-13. Review status: criteria provided, single submitter. Criteria: ICSL Variant Classification Criteria 13 December 2019. Collection method: clinical testing. Allele origin: germline.
Comment: This variant was observed in the ICSL laboratory as part of a predisposition screen in an ostensibly healthy population. It had not been previously curated by ICSL or reported in the Human Gene Mutation Database (HGMD: prior to June 1st, 2018), and was therefore a candidate for classification through an automated scoring system. Utilizing variant allele frequency, disease prevalence and penetrance estimates, and inheritance mode, an automated score was calculated to assess if this variant is too frequent to cause the disease. Based on the score and internal cut-off values, a variant classified as likely benign is not then subjected to further curation. The score for this variant resulted in a classification of likely benign for this disease.

Center for Pediatric Genomic Medicine, Children's Mercy Hospital and Clinics
Classification: Uncertain significance. Last evaluated: 2017-02-22. Review status: criteria provided, single submitter. Criteria: ACMG Guidelines, 2015. Collection method: clinical testing. Allele origin: germline.

PreventionGenetics, part of Exact Sciences
Classification: Benign for CP-related condition. Last evaluated: 2020-04-02. Review status: no assertion criteria provided. Collection method: clinical testing. Allele origin: germline. Not counted in ClinVar's aggregate classification.
Comment: This variant is classified as benign based on ACMG/AMP sequence variant interpretation guidelines (Richards et al. 2015 PMID: 25741868, with internal and published modifications).